The following is an entry in ClinVar:

ClinVar aggregate classification (germline): Uncertain significance (1 of 4 stars; one submission).

Conditions:
Hereditary factor XI deficiency disease. Also called: Congenital factor XI deficiency; PLASMA THROMBOPLASTIN ANTECEDENT DEFICIENCY; PTA DEFICIENCY; ROSENTHAL SYNDROME. Identifiers: Orphanet 329, MedGen C0015523, MeSH D005173, MONDO:0012897, OMIM 612416.

Allele frequency attached by ClinVar (database versions not stated): gnomAD exomes below 0.00001.
gnomAD v4.1: 1 of 1,614,184 alleles (0.000062%); highest among the groups gnomAD compares: Non-Finnish European, 0.000085%; no homozygotes.

Submission:

ISTH-SSC Genomics in Thrombosis and Hemostasis, KU Leuven, Center for Molecular and Vascular Biology
Classification: Uncertain significance for Hereditary factor XI deficiency disease. Review status: criteria provided, single submitter. Criteria: ACMG Guidelines, 2015. Collection method: clinical testing. Allele origin: germline. Affected: yes. Observed: 1 heterozygote.
Comment: Submitted to GoldVariant by Kathleen Freson, Center for Molecular and Vascular Biology, Leuven, Belgium

NM_000128.4(F11):c.1138T>C (p.Cys380Arg)

Gene: F11 (coagulation factor XI; plus strand). Cytogenetic location: 4q35.2.
Variant type: single nucleotide variant.
Coding change: c.1138T>C on transcript NM_000128.4 (MANE Select); coding-DNA position 1138, T replaced by C.
Protein change: p.Cys380Arg; replaces cysteine 380 with arginine.
Molecular consequence: missense variant.
Genome position (GRCh38, 1-based): chr4:186,284,094, T>C. VCF-style: chr4-186284094-T-C. GRCh37 (hg19) VCF-style: chr4-187205248-T-C.
Other names: short protein forms C380R.
Identifiers: ClinVar variation 1703826 (VCV001703826.1), dbSNP rs1423347302, ClinGen allele CA358941486.